The following is an entry in ClinVar:

NM_201384.3(PLEC):c.5854C>T (p.Arg1952Cys)

Gene: PLEC (plectin; minus strand). Cytogenetic location: 8q24.3.
Variant type: single nucleotide variant.
Coding change: c.5854C>T on transcript NM_201384.3 (MANE Select); coding-DNA position 5854, C replaced by T.
Protein change: p.Arg1952Cys; replaces arginine 1952 with cysteine.
Molecular consequence: missense variant. On other transcripts: intron variant (1).
Genome position (GRCh38, 1-based): chr8:143,924,075, G>A on the plus strand (C>T on the coding strand, the complement: PLEC is on the minus strand). VCF-style: chr8-143924075-G-A. GRCh37 (hg19) VCF-style: chr8-144998243-G-A.
Other names: c.5935C>T, p.Arg1979Cys (NM_000445.5); c.5812C>T, p.Arg1938Cys (NM_201378.4); c.5788C>T, p.Arg1930Cys (NM_201379.3); c.6265C>T, p.Arg2089Cys (NM_201380.4); c.5758C>T, p.Arg1920Cys (NM_201381.3); c.5854C>T, p.Arg1952Cys (NM_201382.4); c.5866C>T, p.Arg1956Cys (NM_201383.3); c.4126-1680C>T (NM_001410941.1); and 1 more; short protein forms R1920C, R1930C, R1938C, R1952C, R1956C, R1979C, R2089C.
Identifiers: ClinVar variation 3760884 (VCV003760884.2).

ClinVar aggregate classification (germline): Uncertain significance. Review status: criteria provided, multiple submitters, no conflicts (2 of 4 stars). 2 submissions from 2 submitters: Uncertain significance (2). Last evaluated 2025-08-04.

Conditions:
Inborn genetic diseases. Identifiers: MedGen C0950123, MeSH D030342.
Epidermolysis bullosa simplex with nail dystrophy (EBS5D). Identifiers: MedGen C4225309, MONDO:0014661, OMIM 616487.
Epidermolysis bullosa simplex, Ogna type (EBS5A). Also called: EPIDERMOLYSIS BULLOSA SIMPLEX 5A, OGNA TYPE; Pidermolysis bullosa simplex 5A, Ogna type. Identifiers: Orphanet 79401, MedGen C0432317, MONDO:0007555, OMIM 131950.
Autosomal recessive limb-girdle muscular dystrophy type 2Q (LGMDR17). Also called: MUSCULAR DYSTROPHY, LIMB-GIRDLE, AUTOSOMAL RECESSIVE 17. Identifiers: Orphanet 254361, MedGen C3150989, MONDO:0013390, OMIM 613723.
Epidermolysis bullosa simplex 5B, with muscular dystrophy (EBS5B). Also called: EPIDERMOLYSIS BULLOSA SIMPLEX AND LIMB-GIRDLE MUSCULAR DYSTROPHY; Epidermolysis bullosa simplex with muscular dystrophy. Identifiers: Orphanet 257, MedGen C2931072, MONDO:0009181, OMIM 226670.
Epidermolysis bullosa simplex 5C, with pyloric atresia (EBS5C). Also called: PLEC1-Related Epidermolysis Bullosa with Pyloric Atresia; PLEC-Related Epidermolysis Bullosa with Pyloric Atresia; Epidermolysis bullosa simplex with pyloric atresia. Identifiers: Orphanet 158684, MedGen C2677349, MONDO:0012807, OMIM 612138.

gnomAD v4.1: 19 of 1,597,744 alleles (0.0012%); highest among the groups gnomAD compares: African/African-American, 0.0027%; no homozygotes.

Submissions (2):

Ambry Genetics
Classification: Uncertain significance for Inborn genetic diseases. Last evaluated: 2025-08-04. Review status: criteria provided, single submitter. Criteria: Ambry Variant Classification Scheme 2023. Collection method: clinical testing. Allele origin: germline.

Labcorp Genetics (formerly Invitae), Labcorp
Classification: Uncertain significance for Autosomal recessive limb-girdle muscular dystrophy type 2Q; Epidermolysis bullosa simplex, Ogna type; Epidermolysis bullosa simplex with nail dystrophy; Epidermolysis bullosa simplex 5C, with pyloric atresia; Epidermolysis bullosa simplex 5B, with muscular dystrophy. Last evaluated: 2024-12-04. Review status: criteria provided, single submitter. Criteria: Invitae Variant Classification Sherloc (09022015). Collection method: clinical testing. Allele origin: germline.
Comment: This sequence change replaces arginine, which is basic and polar, with cysteine, which is neutral and slightly polar, at codon 1979 of the PLEC protein (p.Arg1979Cys). This variant is present in population databases (rs782177660, gnomAD 0.009%). This variant has not been reported in the literature in individuals affected with PLEC-related conditions. Experimental studies and prediction algorithms are not available or were not evaluated, and the functional significance of this variant is currently unknown. In summary, the available evidence is currently insufficient to determine the role of this variant in disease. Therefore, it has been classified as a Variant of Uncertain Significance.